The following is an entry in ClinVar:

ClinVar aggregate classification (germline): Uncertain significance. Review status: criteria provided, multiple submitters, no conflicts (2 of 4 stars). 2 submissions from 2 submitters: Uncertain significance (2). Last evaluated 2025-01-05.

Conditions:
Pheochromocytoma/paraganglioma syndrome 5. Also called: Paragangliomas 5; SDHA-Related Hereditary Paraganglioma-Pheochromocytoma Syndrome. Identifiers: Orphanet 29072, MedGen C3279992, MONDO:0013602, OMIM 614165.
Mitochondrial complex II deficiency, nuclear type 1. Also called: SUCCINATE CoQ REDUCTASE DEFICIENCY. Identifiers: Orphanet 3208, MedGen C5700310, MONDO:0100294, OMIM 252011.
Hereditary cancer-predisposing syndrome. Also called: Tumor predisposition; Hereditary neoplastic syndrome; Neoplastic Syndromes, Hereditary; Hereditary Cancer Syndrome. Identifiers: Orphanet 140162, MedGen C0027672, MeSH D009386, MONDO:0015356.

Submissions (2):

Labcorp Genetics (formerly Invitae), Labcorp
Classification: Uncertain significance for Pheochromocytoma/paraganglioma syndrome 5; Mitochondrial complex II deficiency, nuclear type 1. Last evaluated: 2025-01-05. Review status: criteria provided, single submitter. Criteria: Invitae Variant Classification Sherloc (09022015). Collection method: clinical testing. Allele origin: germline.
Comment: This sequence change replaces histidine, which is basic and polar, with arginine, which is basic and polar, at codon 424 of the SDHA protein (p.His424Arg). This variant is not present in population databases (gnomAD no frequency). This variant has not been reported in the literature in individuals affected with SDHA-related conditions. ClinVar contains an entry for this variant (Variation ID: 818754). Invitae Evidence Modeling of protein sequence and biophysical properties (such as structural, functional, and spatial information, amino acid conservation, physicochemical variation, residue mobility, and thermodynamic stability) indicates that this missense variant is not expected to disrupt SDHA protein function with a negative predictive value of 95%. In summary, the available evidence is currently insufficient to determine the role of this variant in disease. Therefore, it has been classified as a Variant of Uncertain Significance.

Ambry Genetics
Classification: Uncertain significance for Hereditary cancer-predisposing syndrome. Last evaluated: 2024-10-23. Review status: criteria provided, single submitter. Criteria: Ambry Variant Classification Scheme 2023. Collection method: clinical testing. Allele origin: germline.
Comment: The p.H424R variant (also known as c.1271A>G), located in coding exon 10 of the SDHA gene, results from an A to G substitution at nucleotide position 1271. The histidine at codon 424 is replaced by arginine, an amino acid with highly similar properties. This amino acid position is well conserved in available vertebrate species. In addition, this alteration is predicted to be tolerated by in silico analysis. Since supporting evidence is limited at this time, the clinical significance of this alteration remains unclear.

NM_004168.4(SDHA):c.1271A>G (p.His424Arg)

Gene: SDHA (succinate dehydrogenase complex flavoprotein subunit A; plus strand). Cytogenetic location: 5p15.33.
Variant type: single nucleotide variant.
Coding change: c.1271A>G on transcript NM_004168.4 (MANE Select); coding-DNA position 1271, A replaced by G.
Protein change: p.His424Arg; replaces histidine 424 with arginine.
Molecular consequence: missense variant.
Genome position (GRCh38, 1-based): chr5:236,438, A>G. VCF-style: chr5-236438-A-G. GRCh37 (hg19) VCF-style: chr5-236553-A-G.
Other names: c.1127A>G, p.His376Arg (NM_001294332.2); c.1271A>G, p.His424Arg (NM_001330758.2); short protein forms H424R, H376R.
Identifiers: ClinVar variation 818754 (VCV000818754.13), dbSNP rs1579409312, ClinGen allele CA359013821.